The following is an entry in ClinVar:

NM_000038.6(APC):c.3790G>A (p.Val1264Ile)

Gene: APC (APC regulator of Wnt signaling pathway; plus strand). Cytogenetic location: 5q22.2.
Variant type: single nucleotide variant.
Coding change: c.3790G>A on transcript NM_000038.6 (MANE Select); coding-DNA position 3790, G replaced by A.
Protein change: p.Val1264Ile; replaces valine 1264 with isoleucine.
Molecular consequence: missense variant.
Genome position (GRCh38, 1-based): chr5:112,839,384, G>A. VCF-style: chr5-112839384-G-A. GRCh37 (hg19) VCF-style: chr5-112175081-G-A.
Other names: c.3790G>A, p.Val1264Ile (NM_001127510.3, NM_001354895.2); c.3736G>A, p.Val1246Ile (NM_001127511.3); c.3844G>A, p.Val1282Ile (NM_001354896.2); c.3820G>A, p.Val1274Ile (NM_001354897.2); c.3715G>A, p.Val1239Ile (NM_001354898.2); c.3706G>A, p.Val1236Ile (NM_001354899.2); c.3667G>A, p.Val1223Ile (NM_001354900.2); c.3613G>A, p.Val1205Ile (NM_001354901.2); and 5 more; short protein forms V1163I, V1173I, V1223I, V1239I, V1264I, V1282I, V1236I, V981I.
Identifiers: ClinVar variation 950003 (VCV000950003.11), dbSNP rs1765522658, ClinGen allele CA16029645.

ClinVar aggregate classification (germline): Uncertain significance (1 of 4 stars; one submission).

Conditions:
Familial adenomatous polyposis 1 (FAP1). Also called: POLYPOSIS, ADENOMATOUS INTESTINAL; FAMILIAL ADENOMATOUS POLYPOSIS 1, ATTENUATED. Identifiers: MedGen C2713442, MONDO:0021056, OMIM 175100. Disease mechanism: loss of function.

Submission:

Labcorp Genetics (formerly Invitae), Labcorp
Classification: Uncertain significance for Familial adenomatous polyposis 1. Last evaluated: 2024-07-08. Review status: criteria provided, single submitter. Criteria: Invitae Variant Classification Sherloc (09022015). Collection method: clinical testing. Allele origin: germline.
Comment: This sequence change replaces valine, which is neutral and non-polar, with isoleucine, which is neutral and non-polar, at codon 1264 of the APC protein (p.Val1264Ile). This variant is not present in population databases (gnomAD no frequency). This variant has not been reported in the literature in individuals affected with APC-related conditions. ClinVar contains an entry for this variant (Variation ID: 950003). Advanced modeling of protein sequence and biophysical properties (such as structural, functional, and spatial information, amino acid conservation, physicochemical variation, residue mobility, and thermodynamic stability) performed at Invitae indicates that this missense variant is not expected to disrupt APC protein function with a negative predictive value of 95%. In summary, the available evidence is currently insufficient to determine the role of this variant in disease. Therefore, it has been classified as a Variant of Uncertain Significance.